The following is an entry in ClinVar:

NM_001166108.2(PALLD):c.1965-12663C>T

Gene: PALLD (palladin, cytoskeletal associated protein; plus strand). Cytogenetic location: 4q32.3.
Variant type: single nucleotide variant.
Coding change: c.1965-12663C>T on transcript NM_001166108.2 (MANE Select); 12663 bases into the intron before coding-DNA position 1965, C replaced by T.
Molecular consequence: intron variant. On other transcripts: missense variant (1).
Genome position (GRCh38, 1-based): chr4:168,878,259, C>T. VCF-style: chr4-168878259-C-T. GRCh37 (hg19) VCF-style: chr4-169799410-C-T.
Other names: c.368C>T, p.Ala123Val (NM_001166110.2); c.1965-12663C>T (NM_016081.4); c.819-12663C>T (NM_001166109.2); c.-157-12663C>T (NM_001367570.1, NM_001367568.1, NM_001367567.1 and 1 more transcripts); c.368C>T (NM_001166110.1); short protein forms A123V.
Identifiers: ClinVar variation 2192174 (VCV002192174.5), dbSNP rs1173076751, ClinGen allele CA358796505.

ClinVar aggregate classification (germline): Conflicting classifications of pathogenicity. Review status: criteria provided, conflicting classifications (1 of 4 stars). 2 submissions from 2 submitters: Uncertain significance (1); Likely benign (1). Last evaluated 2024-12-26.

Conditions:
Pancreatic adenocarcinoma. Identifiers: MedGen C0281361, MONDO:0006047, HP:0006725.

Allele frequency attached by ClinVar (database versions not stated): gnomAD 0.00001; TOPMed 0.00001.
gnomAD v4.1: 2 of 1,525,478 alleles (0.00013%); highest among the groups gnomAD compares: Admixed American, 0.004%; no homozygotes.

Submissions (2):

Ambry Genetics
Classification: Likely benign. Last evaluated: 2024-12-26. Review status: criteria provided, single submitter. Criteria: Ambry Variant Classification Scheme 2023. Collection method: clinical testing. Allele origin: germline.

Labcorp Genetics (formerly Invitae), Labcorp
Classification: Uncertain significance for Pancreatic adenocarcinoma. Last evaluated: 2022-09-07. Review status: criteria provided, single submitter. Criteria: Invitae Variant Classification Sherloc (09022015). Collection method: clinical testing. Allele origin: germline.
Comment: This sequence change replaces alanine, which is neutral and non-polar, with valine, which is neutral and non-polar, at codon 123 of the PALLD protein (p.Ala123Val). In summary, the available evidence is currently insufficient to determine the role of this variant in disease. Therefore, it has been classified as a Variant of Uncertain Significance. Algorithms developed to predict the effect of missense changes on protein structure and function (SIFT, PolyPhen-2, Align-GVGD) all suggest that this variant is likely to be tolerated. This variant has not been reported in the literature in individuals affected with PALLD-related conditions. The frequency data for this variant in the population databases is considered unreliable, as metrics indicate poor data quality at this position in the gnomAD database.